The following is an entry in ClinVar:

NM_017763.6(RNF43):c.1537C>T (p.Pro513Ser)

Gene: RNF43 (ring finger protein 43; minus strand). Cytogenetic location: 17q22.
Variant type: single nucleotide variant.
Coding change: c.1537C>T on transcript NM_017763.6 (MANE Select); coding-DNA position 1537, C replaced by T.
Protein change: p.Pro513Ser; replaces proline 513 with serine.
Molecular consequence: missense variant.
Genome position (GRCh38, 1-based): chr17:58,358,239, G>A on the plus strand (C>T on the coding strand, the complement: RNF43 is on the minus strand). VCF-style: chr17-58358239-G-A. GRCh37 (hg19) VCF-style: chr17-56435600-G-A.
Other names: c.1537C>T, p.Pro513Ser (NM_001305544.3); c.1156C>T, p.Pro386Ser (NM_001305545.2); short protein forms P386S, P513S.
Identifiers: ClinVar variation 3946935 (VCV003946935.1).

ClinVar aggregate classification (germline): Uncertain significance (1 of 4 stars; one submission).

gnomAD v4.1: 2 of 1,613,876 alleles (0.00012%); highest among the groups gnomAD compares: African/African-American, 0.0013%; no homozygotes.

Submission:

Ambry Genetics
Classification: Uncertain significance. Last evaluated: 2025-06-08. Review status: criteria provided, single submitter. Criteria: Ambry Variant Classification Scheme 2023. Collection method: clinical testing. Allele origin: germline.
Comment: The p.P513S variant (also known as c.1537C>T), located in coding exon 8 of the RNF43 gene, results from a C to T substitution at nucleotide position 1537. The proline at codon 513 is replaced by serine, an amino acid with similar properties. This amino acid position is conserved. In addition, this alteration is predicted to be tolerated by in silico analysis. Based on the available evidence, the clinical significance of this variant remains unclear.